The following is an entry in ClinVar:

ClinVar aggregate classification (germline): Uncertain significance (1 of 4 stars; one submission).

Submission:

Labcorp Genetics (formerly Invitae), Labcorp
Classification: Uncertain significance. Last evaluated: 2022-08-16. Review status: criteria provided, single submitter. Criteria: Invitae Variant Classification Sherloc (09022015). Collection method: clinical testing. Allele origin: germline.
Comment: In summary, the available evidence is currently insufficient to determine the role of this variant in disease. Therefore, it has been classified as a Variant of Uncertain Significance. Advanced modeling of protein sequence and biophysical properties (such as structural, functional, and spatial information, amino acid conservation, physicochemical variation, residue mobility, and thermodynamic stability) performed at Invitae indicates that this missense variant is not expected to disrupt ABCA4 protein function. This variant has not been reported in the literature in individuals affected with ABCA4-related conditions. This variant is not present in population databases (gnomAD no frequency). This sequence change replaces glycine, which is neutral and non-polar, with aspartic acid, which is acidic and polar, at codon 1744 of the ABCA4 protein (p.Gly1744Asp).

NM_000350.3(ABCA4):c.5231G>A (p.Gly1744Asp)

Gene: ABCA4 (ATP binding cassette subfamily A member 4; minus strand). Cytogenetic location: 1p22.1.
Variant type: single nucleotide variant.
Coding change: c.5231G>A on transcript NM_000350.3 (MANE Select); coding-DNA position 5231, G replaced by A.
Protein change: p.Gly1744Asp; replaces glycine 1744 with aspartic acid.
Molecular consequence: missense variant.
Genome position (GRCh38, 1-based): chr1:94,015,820, C>T on the plus strand (G>A on the coding strand, the complement: ABCA4 is on the minus strand). VCF-style: chr1-94015820-C-T. GRCh37 (hg19) VCF-style: chr1-94481376-C-T.
Other names: c.5009G>A, p.Gly1670Asp (NM_001425324.1); short protein forms G1744D, G1670D.
Identifiers: ClinVar variation 2090048 (VCV002090048.4), dbSNP rs2523672581, ClinGen allele CA341281711.